The following is an entry in ClinVar:

ClinVar aggregate classification (germline): Uncertain significance (1 of 4 stars; one submission).

gnomAD v4.1: 1 of 1,609,712 alleles (0.000062%); highest among the groups gnomAD compares: Non-Finnish European, 0.000085%; no homozygotes.

Submission:

CeGaT Center for Human Genetics Tuebingen
Classification: Uncertain significance. Last evaluated: 2025-02-01. Review status: criteria provided, single submitter. Criteria: CeGaT Center For Human Genetics Tuebingen Variant Classification Criteria Version 2. Collection method: clinical testing. Allele origin: germline. Affected: yes. Observed: 1 variant allele.
Comment: ANLN: PM2, BP4

NM_018685.5(ANLN):c.2716A>G (p.Thr906Ala)

Gene: ANLN (anillin, actin binding protein; plus strand). Cytogenetic location: 7p14.2.
Variant type: single nucleotide variant.
Coding change: c.2716A>G on transcript NM_018685.5 (MANE Select); coding-DNA position 2716, A replaced by G.
Protein change: p.Thr906Ala; replaces threonine 906 with alanine.
Molecular consequence: missense variant.
Genome position (GRCh38, 1-based): chr7:36,425,708, A>G. VCF-style: chr7-36425708-A-G. GRCh37 (hg19) VCF-style: chr7-36465317-A-G.
Other names: c.2605A>G, p.Thr869Ala (NM_001284301.3); c.2602A>G, p.Thr868Ala (NM_001284302.3); short protein forms T868A, T869A, T906A.
Identifiers: ClinVar variation 3772567 (VCV003772567.13).